The following is an entry in ClinVar:

NR_033294.2(SNORD118):n.114A>C

Genes: SNORD118 (small nucleolar RNA, C/D box 118; minus strand), TMEM107 (transmembrane protein 107; minus strand). Cytogenetic location: 17p13.1.
Variant type: single nucleotide variant.
Molecular consequence: non-coding transcript variant (on NR_033294.2). On other transcripts: 3 prime UTR variant (5).
Genome position: GRCh38 VCF-style: chr17-8173475-T-G. GRCh37 (hg19) VCF-style: chr17-8076793-T-G.
Other names: c.*728A>C (NM_001351278.2, NM_001351279.2, NM_001351280.2 and 2 more transcripts).
Identifiers: ClinVar variation 1900562 (VCV001900562.5), dbSNP rs569097222, ClinGen allele CA8370600.

ClinVar aggregate classification (germline): Uncertain significance (1 of 4 stars; one submission).

gnomAD v4.1: 20 of 764,690 alleles (0.0026%); highest among the groups gnomAD compares: Admixed American, 0.029%; no homozygotes.

Submission:

Labcorp Genetics (formerly Invitae), Labcorp
Classification: Uncertain significance. Last evaluated: 2022-03-14. Review status: criteria provided, single submitter. Criteria: Invitae Variant Classification Sherloc (09022015). Collection method: clinical testing. Allele origin: germline.
Comment: In summary, the available evidence is currently insufficient to determine the role of this variant in disease. Therefore, it has been classified as a Variant of Uncertain Significance. Experimental studies and prediction algorithms are not available or were not evaluated, and the functional significance of this variant is currently unknown. This variant has not been reported in the literature in individuals affected with SNORD118-related conditions. This variant is present in population databases (rs569097222, gnomAD 0.04%). This variant occurs in the SNORD118 gene, which encodes an RNA molecule that does not result in a protein product.